The following is an entry in ClinVar:

NM_004444.5(EPHB4):c.1611G>C (p.Gln537His)

Gene: EPHB4 (EPH receptor B4; minus strand). Cytogenetic location: 7q22.1.
Variant type: single nucleotide variant.
Coding change: c.1611G>C on transcript NM_004444.5 (MANE Select); coding-DNA position 1611, G replaced by C.
Protein change: p.Gln537His; replaces glutamine 537 with histidine.
Molecular consequence: missense variant.
Genome position (GRCh38, 1-based): chr7:100,813,999, C>G on the plus strand (G>C on the coding strand, the complement: EPHB4 is on the minus strand). VCF-style: chr7-100813999-C-G. GRCh37 (hg19) VCF-style: chr7-100411621-C-G.
Other names: short protein forms Q537H.
Identifiers: ClinVar variation 3275979 (VCV003275979.3).

ClinVar aggregate classification (germline): Conflicting classifications of pathogenicity. Review status: criteria provided, conflicting classifications (1 of 4 stars). 2 submissions from 2 submitters: Uncertain significance (1); Likely benign (1). Last evaluated 2024-10-16.

Conditions:
Cardiovascular phenotype. Identifiers: MedGen CN230736.

Submissions (2):

Labcorp Genetics (formerly Invitae), Labcorp
Classification: Likely benign. Last evaluated: 2024-10-16. Review status: criteria provided, single submitter. Criteria: Invitae Variant Classification Sherloc (09022015). Collection method: clinical testing. Allele origin: germline.

Ambry Genetics
Classification: Uncertain significance for Cardiovascular phenotype. Last evaluated: 2024-04-28. Review status: criteria provided, single submitter. Criteria: Ambry Variant Classification Scheme 2023. Collection method: clinical testing. Allele origin: germline.
Comment: The p.Q537H variant (also known as c.1611G>C), located in coding exon 9 of the EPHB4 gene, results from a G to C substitution at nucleotide position 1611. The glutamine at codon 537 is replaced by histidine, an amino acid with highly similar properties. This amino acid position is conserved. In addition, the in silico prediction for this alteration is inconclusive. Based on the available evidence, the clinical significance of this variant remains unclear.